The following is an entry in ClinVar:

ClinVar aggregate classification (germline): Uncertain significance. Review status: criteria provided, multiple submitters, no conflicts (2 of 4 stars). 2 submissions from 2 submitters: Uncertain significance (2). Last evaluated 2026-01-26.

Conditions:
Bethlem myopathy 1A. Also called: MYOPATHY, BENIGN CONGENITAL, WITH CONTRACTURES; Bethlem Muscular Dystrophy; Bethlem myopathy 1. Identifiers: Orphanet 610, MedGen CN029274, MONDO:0024530, OMIM 158810.
Inborn genetic diseases. Identifiers: MedGen C0950123, MeSH D030342.

gnomAD v4.1: 13 of 1,614,148 alleles (0.00081%); highest among the groups gnomAD compares: South Asian, 0.0011%; no homozygotes.

Submissions (2):

Labcorp Genetics (formerly Invitae), Labcorp
Classification: Uncertain significance for Bethlem myopathy 1A. Last evaluated: 2026-01-26. Review status: criteria provided, single submitter. Criteria: Invitae Variant Classification Sherloc (09022015). Collection method: clinical testing. Allele origin: germline.
Comment: This sequence change replaces alanine, which is neutral and non-polar, with threonine, which is neutral and polar, at codon 1794 of the COL6A3 protein (p.Ala1794Thr). This variant is present in population databases (rs34528162, gnomAD 0.0009%). This variant has not been reported in the literature in individuals affected with COL6A3-related conditions. Invitae Evidence Modeling of protein sequence and biophysical properties (such as structural, functional, and spatial information, amino acid conservation, physicochemical variation, residue mobility, and thermodynamic stability) indicates that this missense variant is not expected to disrupt COL6A3 protein function with a negative predictive value of 80%. In summary, the available evidence is currently insufficient to determine the role of this variant in disease. Therefore, it has been classified as a Variant of Uncertain Significance.

Ambry Genetics
Classification: Uncertain significance for Inborn genetic diseases. Last evaluated: 2025-10-02. Review status: criteria provided, single submitter. Criteria: Ambry Variant Classification Scheme 2023. Collection method: clinical testing. Allele origin: germline.

NM_004369.4(COL6A3):c.5380G>A (p.Ala1794Thr)

Gene: COL6A3 (collagen type VI alpha 3 chain; minus strand). Cytogenetic location: 2q37.3.
Variant type: single nucleotide variant.
Coding change: c.5380G>A on transcript NM_004369.4 (MANE Select); coding-DNA position 5380, G replaced by A.
Protein change: p.Ala1794Thr; replaces alanine 1794 with threonine.
Molecular consequence: missense variant.
Genome position (GRCh38, 1-based): chr2:237,366,807, C>T on the plus strand (G>A on the coding strand, the complement: COL6A3 is on the minus strand). VCF-style: chr2-237366807-C-T. GRCh37 (hg19) VCF-style: chr2-238275450-C-T.
Other names: c.3559G>A, p.Ala1187Thr (NM_057166.5); c.4762G>A, p.Ala1588Thr (NM_057167.4); short protein forms A1794T, A1187T, A1588T.
Identifiers: ClinVar variation 4616299 (VCV004616299.2).
Genomic context (GRCh38, chr2:237,366,807, plus strand): 5'-CCAAAACTTGCTCGCTCAGTTCGGACAGCTCCTGGACGTTGCCCACGCGGAACGCTGTGG[C>T]GCTGTTGGACGCTATCTTTCCAACCTCCTCCGAGTCGATATTCCTCACTCCAACAGCAAA-3'
Protein context (NP_004360.2, residues 1784-1804): EEVGKIASNS[Ala1794Thr]TAFRVGNVQE